The following is an entry in ClinVar:

ClinVar aggregate classification (germline): Uncertain significance (1 of 4 stars; one submission).

Conditions:
Hypotonia, ataxia, and delayed development syndrome (HADDS). Also called: EBF3 Neurodevelopmental Disorder. Identifiers: Orphanet 658843, MedGen C4310618, MONDO:0015021, OMIM 617330.

Allele frequency attached by ClinVar (database versions not stated): gnomAD 0.00001; gnomAD exomes 0.00001.
gnomAD v4.1: 10 of 1,591,442 alleles (0.00063%); highest among the groups gnomAD compares: South Asian, 0.0023%; no homozygotes.

Submission:

Baylor Genetics
Classification: Uncertain significance for Hypotonia, ataxia, and delayed development syndrome. Last evaluated: 2018-03-21. Review status: criteria provided, single submitter. Criteria: ACMG Guidelines, 2015. Collection method: clinical testing. Allele origin: paternal. Affected: yes.
Comment: This variant was determined to be of uncertain significance according to ACMG Guidelines, 2015 [PMID:25741868].

NM_001375380.1(EBF3):c.220C>T (p.Leu74Phe)

Gene: EBF3 (EBF transcription factor 3; minus strand). Cytogenetic location: 10q26.3.
Variant type: single nucleotide variant.
Coding change: c.220C>T on transcript NM_001375380.1 (MANE Select); coding-DNA position 220, C replaced by T.
Protein change: p.Leu74Phe; replaces leucine 74 with phenylalanine.
Molecular consequence: missense variant.
Genome position (GRCh38, 1-based): chr10:129,963,438, G>A on the plus strand (C>T on the coding strand, the complement: EBF3 is on the minus strand). VCF-style: chr10-129963438-G-A. GRCh37 (hg19) VCF-style: chr10-131761702-G-A.
Other names: c.220C>T, p.Leu74Phe (NM_001005463.3, NM_001375379.1, NM_001375389.1 and 3 more transcripts); short protein forms L74F.
Identifiers: ClinVar variation 1032515 (VCV001032515.1), dbSNP rs1251711247, ClinGen allele CA378911255.